The following is an entry in ClinVar:

NM_000264.5(PTCH1):c.3307-3C>G

Gene: PTCH1 (patched 1; minus strand). Cytogenetic location: 9q22.32.
Variant type: single nucleotide variant.
Coding change: c.3307-3C>G on transcript NM_000264.5 (MANE Select); 3 bases into the intron before coding-DNA position 3307, C replaced by G.
Molecular consequence: intron variant.
Genome position (GRCh38, 1-based): chr9:95,453,623, G>C on the plus strand (C>G on the coding strand, the complement: PTCH1 is on the minus strand). VCF-style: chr9-95453623-G-C. GRCh37 (hg19) VCF-style: chr9-98215905-G-C.
Other names: c.3304-3C>G (NM_001083603.3); c.3109-3C>G (NM_001083602.3); c.3151-3C>G (NM_001354918.2); c.2854-3C>G (NM_001083605.3, NM_001083604.3, NM_001083606.3 and 1 more transcripts).
Identifiers: ClinVar variation 4759307 (VCV004759307.2).

ClinVar aggregate classification (germline): Conflicting classifications of pathogenicity. Review status: criteria provided, conflicting classifications (1 of 4 stars). 2 submissions from 2 submitters: Likely pathogenic (1); Uncertain significance (1). Last evaluated 2024-07-02.

Conditions:
PTCH1-related disorder. Also called: PTCH1-related disorders; PTCH1-related condition.
Basal cell nevus syndrome 1 (BCNS1). Also called: GORLIN-GOLTZ SYNDROME; MULTIPLE BASAL CELL NEVI, ODONTOGENIC KERATOCYSTS, AND SKELETAL ANOMALIES. Identifiers: MedGen CN376810, MONDO:0958174, OMIM 109400.

Submissions (2):

Blueprint Genetics
Classification: Likely pathogenic for PTCH1-related disorders. Last evaluated: 2024-07-02. Review status: criteria provided, single submitter. Criteria: ACMG Guidelines, 2015. Collection method: clinical testing. Allele origin: germline. Affected: yes. Observed: 4 variant alleles.

Institute for Genomic Medicine (IGM) Clinical Laboratory, Nationwide Children's Hospital
Classification: Uncertain significance for Basal cell nevus syndrome 1. Last evaluated: 2024-05-01. Review status: criteria provided, single submitter. Criteria: ACMG Guidelines, 2015. Collection method: clinical testing. Allele origin: germline.
Comment: This variant is absent from or present at an exceedingly low frequency in gnomAD, a large-scale control population database (ACMG/AMP: PM2). This variant is in a gene that is highly specific for a disease with a single genetic etiology (ACMG/AMP: PP4).